The following is an entry in ClinVar:

ClinVar aggregate classification (germline): Likely benign. Review status: criteria provided, multiple submitters, no conflicts (2 of 4 stars). 3 submissions from 3 submitters: Likely benign (3). Last evaluated 2026-02-26.

Conditions:
ADGRV1-related disorder. Also called: ADGRV1-related condition; ADGRV1-related disorders.

Allele frequency attached by ClinVar (database versions not stated): TOPMed 0.00001.
gnomAD v4.1: 9 of 1,612,072 alleles (0.00056%); highest among the groups gnomAD compares: Admixed American, 0.015%; no homozygotes.

Submissions (3):

PreventionGenetics, part of Exact Sciences
Classification: Likely benign for ADGRV1-related condition. Last evaluated: 2026-02-26. Review status: criteria provided, single submitter. Criteria: ACMG Guidelines, 2015. Collection method: clinical testing. Allele origin: germline.
Comment: This variant is classified as likely benign based on ACMG/AMP sequence variant interpretation guidelines (Richards et al. 2015 PMID: 25741868, with internal and published modifications).

Labcorp Genetics (formerly Invitae), Labcorp
Classification: Likely benign. Last evaluated: 2024-01-24. Review status: criteria provided, single submitter. Criteria: Invitae Variant Classification Sherloc (09022015). Collection method: clinical testing. Allele origin: germline.

Laboratory for Molecular Medicine, Mass General Brigham Personalized Medicine
Classification: Likely benign. Last evaluated: 2013-10-01. Review status: criteria provided, single submitter. Criteria: LMM Criteria. Collection method: clinical testing. Allele origin: germline. Observed: 2 variant alleles.
Comment: Arg2128Arg in Exon 29 of GPR98: This variant is not expected to have clinical si gnificance because it does not alter an amino acid residue and is not located wi thin the splice consensus sequence.

NM_032119.4(ADGRV1):c.6382C>A (p.Arg2128=)

Gene: ADGRV1 (adhesion G protein-coupled receptor V1; plus strand). Cytogenetic location: 5q14.3.
Variant type: single nucleotide variant.
Coding change: c.6382C>A on transcript NM_032119.4 (MANE Select); coding-DNA position 6382, C replaced by A.
Protein change: p.Arg2128=; no amino-acid change (arginine 2128 retained).
Molecular consequence: synonymous variant. On other transcripts: non-coding transcript variant (1).
Genome position (GRCh38, 1-based): chr5:90,685,887, C>A. VCF-style: chr5-90685887-C-A. GRCh37 (hg19) VCF-style: chr5-89981704-C-A.
Identifiers: ClinVar variation 178950 (VCV000178950.8), dbSNP rs727504561, ClinGen allele CA183368.